The following is an entry in ClinVar:

NM_001364905.1(LRBA):c.6398G>A (p.Arg2133His)

Gene: LRBA (LPS responsive beige-like anchor protein; minus strand). Cytogenetic location: 4q31.3.
Variant type: single nucleotide variant.
Coding change: c.6398G>A on transcript NM_001364905.1 (MANE Select); coding-DNA position 6398, G replaced by A.
Protein change: p.Arg2133His; replaces arginine 2133 with histidine.
Molecular consequence: missense variant.
Genome position (GRCh38, 1-based): chr4:150,490,968, C>T on the plus strand (G>A on the coding strand, the complement: LRBA is on the minus strand). VCF-style: chr4-150490968-C-T. GRCh37 (hg19) VCF-style: chr4-151412120-C-T.
Other names: p.Arg2144His; c.6398G>A, p.Arg2133His (NM_001199282.3, NM_001367550.1); c.6431G>A, p.Arg2144His (NM_006726.5); short protein forms R2144H, R2133H.
Identifiers: ClinVar variation 3539259 (VCV003539259.2).

ClinVar aggregate classification (germline): Uncertain significance. Review status: criteria provided, multiple submitters, no conflicts (2 of 4 stars). 2 submissions from 2 submitters: Uncertain significance (2). Last evaluated 2025-10-27.

Conditions:
Inborn genetic diseases. Identifiers: MedGen C0950123, MeSH D030342.

gnomAD v4.1: 15 of 1,609,306 alleles (0.00093%); highest among the groups gnomAD compares: South Asian, 0.0055%; no homozygotes.

Submissions (2):

Mayo Clinic Laboratories, Mayo Clinic
Classification: Uncertain significance. Last evaluated: 2025-10-27. Review status: criteria provided, single submitter. Criteria: ACMG Guidelines, 2015. Collection method: clinical testing. Allele origin: germline. Observed: 1 variant allele.
Comment: PP3

Ambry Genetics
Classification: Uncertain significance for Inborn genetic diseases. Last evaluated: 2024-10-19. Review status: criteria provided, single submitter. Criteria: Ambry Variant Classification Scheme 2023. Collection method: clinical testing. Allele origin: germline.